The following is an entry in ClinVar:

NM_000211.5(ITGB2):c.827G>A (p.Gly276Asp)

Gene: ITGB2 (integrin subunit beta 2; minus strand). Cytogenetic location: 21q22.3.
Variant type: single nucleotide variant.
Coding change: c.827G>A on transcript NM_000211.5 (MANE Select); coding-DNA position 827, G replaced by A.
Protein change: p.Gly276Asp; replaces glycine 276 with aspartic acid.
Molecular consequence: missense variant.
Genome position (GRCh38, 1-based): chr21:44,900,390, C>T on the plus strand (G>A on the coding strand, the complement: ITGB2 is on the minus strand). VCF-style: chr21-44900390-C-T. GRCh37 (hg19) VCF-style: chr21-46320305-C-T.
Other names: c.827G>A, p.Gly276Asp (NM_001127491.3); c.620G>A, p.Gly207Asp (NM_001303238.2); short protein forms G207D, G276D.
Identifiers: ClinVar variation 964785 (VCV000964785.10), dbSNP rs1207286440, ClinGen allele CA410474787.

ClinVar aggregate classification (germline): Uncertain significance (1 of 4 stars; one submission).

Conditions:
Leukocyte adhesion deficiency 1 (LAD1). Also called: LAD 1; Lymphocyte function-associated antigen 1 immunodeficiency; LFA 1 immunodeficiency; LEUKOCYTE ADHESION DEFICIENCY, TYPE I. Identifiers: Orphanet 2968, Orphanet 99842, MedGen C0398738, MONDO:0007293, OMIM 116920.

Allele frequency attached by ClinVar (database versions not stated): gnomAD exomes below 0.00001.
gnomAD v4.1: 5 of 1,614,144 alleles (0.00031%); highest among the groups gnomAD compares: Non-Finnish European, 0.00042%; no homozygotes.

Submission:

Labcorp Genetics (formerly Invitae), Labcorp
Classification: Uncertain significance for Leukocyte adhesion deficiency 1. Last evaluated: 2022-03-11. Review status: criteria provided, single submitter. Criteria: Invitae Variant Classification Sherloc (09022015). Collection method: clinical testing. Allele origin: germline.
Comment: This variant is present in population databases (no rsID available, gnomAD 0.0009%). This sequence change replaces glycine, which is neutral and non-polar, with aspartic acid, which is acidic and polar, at codon 276 of the ITGB2 protein (p.Gly276Asp). This variant has not been reported in the literature in individuals affected with ITGB2-related conditions. ClinVar contains an entry for this variant (Variation ID: 964785). Algorithms developed to predict the effect of missense changes on protein structure and function (SIFT, PolyPhen-2, Align-GVGD) all suggest that this variant is likely to be disruptive. In summary, the available evidence is currently insufficient to determine the role of this variant in disease. Therefore, it has been classified as a Variant of Uncertain Significance.